The following is an entry in ClinVar:

NM_000112.4(SLC26A2):c.2094A>C (p.Glu698Asp)

Gene: SLC26A2 (solute carrier family 26 member 2; plus strand). Cytogenetic location: 5q32.
Variant type: single nucleotide variant.
Coding change: c.2094A>C on transcript NM_000112.4 (MANE Select); coding-DNA position 2094, A replaced by C.
Protein change: p.Glu698Asp; replaces glutamic acid 698 with aspartic acid.
Molecular consequence: missense variant.
Genome position (GRCh38, 1-based): chr5:149,981,687, A>C. VCF-style: chr5-149981687-A-C. GRCh37 (hg19) VCF-style: chr5-149361250-A-C.
Other names: short protein forms E698D.
Identifiers: ClinVar variation 1513086 (VCV001513086.7), dbSNP rs371461728, ClinGen allele CA129084880.

ClinVar aggregate classification (germline): Uncertain significance (1 of 4 stars; one submission).

Conditions:
Multiple epiphyseal dysplasia type 4 (EDM4). Also called: SLC26A2-Related Multiple Epiphyseal Dysplasia; Multiple Epiphyseal Dysplasia, Recessive; MULTIPLE EPIPHYSEAL DYSPLASIA WITH BILAYERED PATELLAE; MULTIPLE EPIPHYSEAL DYSPLASIA WITH CLUBFOOT; MULTIPLE EPIPHYSEAL DYSPLASIA, AUTOSOMAL RECESSIVE. Identifiers: Orphanet 93307, MedGen C1847593, MONDO:0009189, OMIM 226900.
Achondrogenesis, type IB (ACG1B). Also called: Achondrogenesis Type 1B. Identifiers: Orphanet 932, Orphanet 93298, MedGen C0265274, MONDO:0010966, OMIM 600972.
Diastrophic dysplasia (DTD). Also called: Diastrophic dwarfism. Identifiers: Orphanet 628, MedGen C0220726, MONDO:0009107, OMIM 222600.
Atelosteogenesis type II (AO2). Also called: SLC26A2-Related Atelosteogenesis; NEONATAL OSSEOUS DYSPLASIA I; Neonatal osseous dysplasia 1. Identifiers: Orphanet 56304, MedGen C1850554, MONDO:0009727, OMIM 256050.

Allele frequency attached by ClinVar (database versions not stated): gnomAD 0.00001; ESP Exome Variant Server 0.00008.
gnomAD v4.1: 13 of 1,612,160 alleles (0.00081%); highest among the groups gnomAD compares: Admixed American, 0.0017%; no homozygotes.

Submission:

Labcorp Genetics (formerly Invitae), Labcorp
Classification: Uncertain significance for Atelosteogenesis type II; Multiple epiphyseal dysplasia type 4; Achondrogenesis, type IB; Diastrophic dysplasia. Last evaluated: 2023-07-07. Review status: criteria provided, single submitter. Criteria: Invitae Variant Classification Sherloc (09022015). Collection method: clinical testing. Allele origin: germline.
Comment: Advanced modeling of protein sequence and biophysical properties (such as structural, functional, and spatial information, amino acid conservation, physicochemical variation, residue mobility, and thermodynamic stability) performed at Invitae indicates that this missense variant is not expected to disrupt SLC26A2 protein function. In summary, the available evidence is currently insufficient to determine the role of this variant in disease. Therefore, it has been classified as a Variant of Uncertain Significance. ClinVar contains an entry for this variant (Variation ID: 1513086). This variant has not been reported in the literature in individuals affected with SLC26A2-related conditions. This variant is present in population databases (rs371461728, gnomAD 0.0009%). This sequence change replaces glutamic acid, which is acidic and polar, with aspartic acid, which is acidic and polar, at codon 698 of the SLC26A2 protein (p.Glu698Asp).